The following is an entry in ClinVar:

ClinVar aggregate classification (germline): Uncertain significance (1 of 4 stars; one submission).

Allele frequency attached by ClinVar (database versions not stated): gnomAD 0.00001; TOPMed 0.00002; gnomAD exomes 0.00003 and 0.00007; ExAC 0.00007.
gnomAD v4.1: 18 of 1,613,892 alleles (0.0011%); highest among the groups gnomAD compares: Admixed American, 0.03%; no homozygotes.

Submission:

Labcorp Genetics (formerly Invitae), Labcorp
Classification: Uncertain significance. Last evaluated: 2025-11-26. Review status: criteria provided, single submitter. Criteria: Invitae Variant Classification Sherloc (09022015). Collection method: clinical testing. Allele origin: germline.
Comment: This sequence change replaces serine, which is neutral and polar, with alanine, which is neutral and non-polar, at codon 38 of the SPP2 protein (p.Ser38Ala). This variant is present in population databases (rs758562666, gnomAD 0.05%). This variant has not been reported in the literature in individuals affected with SPP2-related conditions. ClinVar contains an entry for this variant (Variation ID: 1018102). An algorithm developed to predict the effect of missense changes on protein structure and function outputs the following: PolyPhen-2: "Benign". The alanine amino acid residue is found in multiple mammalian species, which suggests that this missense change does not adversely affect protein function. In summary, the available evidence is currently insufficient to determine the role of this variant in disease. Therefore, it has been classified as a Variant of Uncertain Significance.

NM_006944.3(SPP2):c.112T>G (p.Ser38Ala)

Gene: SPP2 (secreted phosphoprotein 2; plus strand). Cytogenetic location: 2q37.1.
Variant type: single nucleotide variant.
Coding change: c.112T>G on transcript NM_006944.3 (MANE Select); coding-DNA position 112, T replaced by G.
Protein change: p.Ser38Ala; replaces serine 38 with alanine.
Molecular consequence: missense variant.
Genome position (GRCh38, 1-based): chr2:234,050,997, T>G. VCF-style: chr2-234050997-T-G. GRCh37 (hg19) VCF-style: chr2-234959641-T-G.
Other names: short protein forms S38A.
Identifiers: ClinVar variation 1018102 (VCV001018102.8), dbSNP rs758562666, ClinGen allele CA2183083.
Genomic context (GRCh38, chr2:234,050,997, plus strand): 5'-TGTCTCACTGTGCCCCATGTGCTTGCGTGTCCAGGTTTCCCAGTGTACGACTACGATCCA[T>G]CCTCCTTAAGGGATGCCCTCAGTGCCTCTGTGGTAAAAGTGAATTCCCAGTCACTGAGTC-3'
Protein context (NP_008875.1, residues 28-48): SGFPVYDYDP[Ser38Ala]SLRDALSASV